The following is an entry in ClinVar:

ClinVar aggregate classification (germline): Conflicting classifications of pathogenicity. Review status: criteria provided, conflicting classifications (1 of 4 stars). 3 submissions from 3 submitters: Uncertain significance (2); Benign (1). Last evaluated 2025-11-24.

Conditions:
Hereditary cancer-predisposing syndrome. Also called: Neoplastic Syndromes, Hereditary; Tumor predisposition; Hereditary Cancer Syndrome; Hereditary neoplastic syndrome. Identifiers: Orphanet 140162, MedGen C0027672, MeSH D009386, MONDO:0015356.
Hereditary nonpolyposis colorectal neoplasms. Identifiers: MedGen C0009405, MeSH D003123.

Allele frequency attached by ClinVar (database versions not stated): gnomAD exomes below 0.00001.
gnomAD v4.1: 3 of 1,614,134 alleles (0.00019%); highest among the groups gnomAD compares: South Asian, 0.0011%; no homozygotes.

Submissions (3):

Labcorp Genetics (formerly Invitae), Labcorp
Classification: Benign for Hereditary nonpolyposis colorectal neoplasms. Last evaluated: 2025-11-24. Review status: criteria provided, single submitter. Criteria: Invitae Variant Classification Sherloc (09022015). Collection method: clinical testing. Allele origin: germline.

Ambry Genetics
Classification: Uncertain significance for Hereditary cancer-predisposing syndrome. Last evaluated: 2024-12-13. Review status: criteria provided, single submitter. Criteria: Ambry Variant Classification Scheme 2023. Collection method: clinical testing. Allele origin: germline.
Comment: The p.R721I variant (also known as c.2162G>T), located in coding exon 4 of the MSH6 gene, results from a G to T substitution at nucleotide position 2162. The arginine at codon 721 is replaced by isoleucine, an amino acid with similar properties. This amino acid position is not well conserved in available vertebrate species. In addition, this alteration is predicted to be tolerated by in silico analysis. Since supporting evidence is limited at this time, the clinical significance of this alteration remains unclear.

GeneDx
Classification: Uncertain significance. Last evaluated: 2016-08-04. Review status: criteria provided, single submitter. Criteria: GeneDx Variant Classification (06012015). Collection method: clinical testing. Allele origin: germline. Affected: yes.
Comment: This variant is denoted MSH6 c.2162G>T at the cDNA level, p.Arg721Ile (R721I) at the protein level, and results in the change of an Arginine to an Isoleucine (AGA>ATA). This variant has not, to our knowledge, been published in the literature as pathogenic or benign. MSH6 Arg721Ile was not observed in approximately 6,500 individuals of European and African American ancestry in the NHLBI Exome Sequencing Project, suggesting it is not a common benign variant in these populations. Since Arginine and Isoleucine differ in polarity, charge, size or other properties, this is considered a non-conservative amino acid substitution. MSH6 Arg721Ile occurs at a position that is not conserved and is located in the MutS III domain (Terui 2013). In silico analyses are inconsistent regarding the effect this variant may have on protein structure and function. Based on currently available evidence, it is unclear whether MSH6 Arg721Ile is a pathogenic or benign variant. We consider it to be a variant of uncertain significance.

NM_000179.3(MSH6):c.2162G>T (p.Arg721Ile)

Gene: MSH6 (mutS homolog 6; plus strand). Cytogenetic location: 2p16.3.
Variant type: single nucleotide variant.
Coding change: c.2162G>T on transcript NM_000179.3 (MANE Select); coding-DNA position 2162, G replaced by T.
Protein change: p.Arg721Ile; replaces arginine 721 with isoleucine.
Molecular consequence: missense variant.
Genome position (GRCh38, 1-based): chr2:47,800,145, G>T. VCF-style: chr2-47800145-G-T. GRCh37 (hg19) VCF-style: chr2-48027284-G-T.
Other names: c.1772G>T, p.Arg591Ile (NM_001281492.2); c.1256G>T, p.Arg419Ile (NM_001281493.2, NM_001281494.2); short protein forms R721I, R419I, R591I.
Identifiers: ClinVar variation 233301 (VCV000233301.15), dbSNP rs876660319, ClinGen allele CA10578095.